The following is an entry in ClinVar:

NM_000142.5(FGFR3):c.905G>A (p.Gly302Asp)

Gene: FGFR3 (fibroblast growth factor receptor 3; plus strand). Cytogenetic location: 4p16.3.
Variant type: single nucleotide variant.
Coding change: c.905G>A on transcript NM_000142.5 (MANE Select); coding-DNA position 905, G replaced by A.
Protein change: p.Gly302Asp; replaces glycine 302 with aspartic acid.
Molecular consequence: missense variant. On other transcripts: non-coding transcript variant (1).
Genome position (GRCh38, 1-based): chr4:1,802,000, G>A. VCF-style: chr4-1802000-G-A. GRCh37 (hg19) VCF-style: chr4-1803727-G-A.
Other names: c.905G>A, p.Gly302Asp (NM_001163213.2, NM_001354809.2, NM_001354810.2 and 1 more transcripts); short protein forms G302D.
Identifiers: ClinVar variation 4886597 (VCV004886597.2).

ClinVar aggregate classification (germline): Uncertain significance (1 of 4 stars; one submission).

gnomAD v4.1: 5 of 1,612,342 alleles (0.00031%); highest among the groups gnomAD compares: African/African-American, 0.0053%; no homozygotes.

Submission:

Dasa
Classification: Uncertain significance. Last evaluated: 2024-08-20. Review status: criteria provided, single submitter. Criteria: DASA Assertion Criteria. Collection method: clinical testing. Allele origin: germline.
Comment: NM_000142.5(FGFR3):c.905G>A (p.Gly302Asp) is a missense variant that results in the substitution of glycine with aspartic acid. This variant is rare in population databases. Computational prediction algorithms are consistent with a deleterious effect. The currently available literature and clinical evidence are not sufficient to establish a definitive association between this variant and the reported condition. Therefore, this variant is classified as a variant of uncertain significance.